The following is an entry in ClinVar:

ClinVar aggregate classification (germline): Uncertain significance. Review status: criteria provided, multiple submitters, no conflicts (2 of 4 stars). 2 submissions from 2 submitters: Uncertain significance (2). Last evaluated 2025-07-22.

Conditions:
Inborn genetic diseases. Identifiers: MedGen C0950123, MeSH D030342.

gnomAD v4.1: 3 of 1,613,980 alleles (0.00019%); highest among the groups gnomAD compares: Admixed American, 0.0017%; no homozygotes.

Submissions (2):

Ambry Genetics
Classification: Uncertain significance for Inborn genetic diseases. Last evaluated: 2025-07-22. Review status: criteria provided, single submitter. Criteria: Ambry Variant Classification Scheme 2023. Collection method: clinical testing. Allele origin: germline.
Comment: The p.N318S variant (also known as c.953A>G), located in coding exon 7 of the SMAD2 gene, results from an A to G substitution at nucleotide position 953. The asparagine at codon 318 is replaced by serine, an amino acid with highly similar properties. This amino acid position is conserved. In addition, the in silico prediction for this alteration is inconclusive. Based on the available evidence, the clinical significance of this variant remains unclear.

Labcorp Genetics (formerly Invitae), Labcorp
Classification: Uncertain significance. Last evaluated: 2024-04-02. Review status: criteria provided, single submitter. Criteria: Invitae Variant Classification Sherloc (09022015). Collection method: clinical testing. Allele origin: germline.
Comment: This sequence change replaces asparagine, which is neutral and polar, with serine, which is neutral and polar, at codon 318 of the SMAD2 protein (p.Asn318Ser). This variant is not present in population databases (gnomAD no frequency). This missense change has been observed in individual(s) with clinical features of SMAD2-related conditions (Invitae). ClinVar contains an entry for this variant (Variation ID: 1974591). Advanced modeling of protein sequence and biophysical properties (such as structural, functional, and spatial information, amino acid conservation, physicochemical variation, residue mobility, and thermodynamic stability) has been performed at Invitae for this missense variant, however the output from this modeling did not meet the statistical confidence thresholds required to predict the impact of this variant on SMAD2 protein function. This variant disrupts the p.Asn318 amino acid residue in SMAD2. Other variant(s) that disrupt this residue have been observed in individuals with SMAD2-related conditions (PMID: 29967133; Invitae), which suggests that this may be a clinically significant amino acid residue. In summary, the available evidence is currently insufficient to determine the role of this variant in disease. Therefore, it has been classified as a Variant of Uncertain Significance.

Literature cited by the submitters: PubMed 29967133 (cited by Labcorp Genetics (formerly Invitae), Labcorp).

NM_005901.6(SMAD2):c.953A>G (p.Asn318Ser)

Gene: SMAD2 (SMAD family member 2; minus strand). Cytogenetic location: 18q21.1.
Variant type: single nucleotide variant.
Coding change: c.953A>G on transcript NM_005901.6 (MANE Select); coding-DNA position 953, A replaced by G.
Protein change: p.Asn318Ser; replaces asparagine 318 with serine.
Molecular consequence: missense variant.
Genome position (GRCh38, 1-based): chr18:47,848,519, T>C on the plus strand (A>G on the coding strand, the complement: SMAD2 is on the minus strand). VCF-style: chr18-47848519-T-C. GRCh37 (hg19) VCF-style: chr18-45374890-T-C.
Other names: c.953A>G, p.Asn318Ser (NM_001003652.4); c.863A>G, p.Asn288Ser (NM_001135937.3); c.953A>G (NM_005901.4); short protein forms N288S, N318S.
Identifiers: ClinVar variation 1974591 (VCV001974591.6), dbSNP rs2511318183, ClinGen allele CA402504329.